The following is an entry in ClinVar:

ClinVar aggregate classification (germline): Conflicting classifications of pathogenicity. Review status: criteria provided, conflicting classifications (1 of 4 stars). 2 submissions from 2 submitters: Uncertain significance (1); Likely benign (1). Last evaluated 2022-11-22.

Conditions:
Ataxia-telangiectasia syndrome (AT). Also called: LOUIS-BAR SYNDROME; Cerebello-oculocutaneous telangiectasia; Immunodeficiency with ataxia telangiectasia; Ataxia telangiectasia (A-T); Ataxia-telangiectasia, complementation group D; AT, COMPLEMENTATION GROUP C. Identifiers: Orphanet 100, MedGen C0004135, MONDO:0008840, OMIM 208900.
Hereditary cancer-predisposing syndrome. Also called: Neoplastic Syndromes, Hereditary; Tumor predisposition; Hereditary Cancer Syndrome; Hereditary neoplastic syndrome. Identifiers: Orphanet 140162, MedGen C0027672, MeSH D009386, MONDO:0015356.

Submissions (2):

Color Diagnostics, LLC DBA Color Health
Classification: Uncertain significance for Hereditary cancer-predisposing syndrome. Last evaluated: 2022-11-22. Review status: criteria provided, single submitter. Criteria: ACMG Guidelines, 2015. Collection method: clinical testing. Allele origin: germline.
Comment: This variant causes the deletion of 1 nucleotide in intron 56 of the ATM gene. Splice site prediction tools are inconclusive regarding the impact of this variant on RNA splicing. To our knowledge, functional studies have not been reported for this variant. This variant has not been reported in individuals affected with ATM-related disorders in the literature. This variant has not been identified in the general population by the Genome Aggregation Database (gnomAD). The available evidence is insufficient to determine the role of this variant in disease conclusively. Therefore, this variant is classified as a Variant of Uncertain Significance.

Labcorp Genetics (formerly Invitae), Labcorp
Classification: Likely benign for Ataxia-telangiectasia syndrome. Last evaluated: 2021-11-02. Review status: criteria provided, single submitter. Criteria: Invitae Variant Classification Sherloc (09022015). Collection method: clinical testing. Allele origin: germline.

NM_000051.4(ATM):c.8269-13del

Genes: ATM (ATM serine/threonine kinase; plus strand), C11orf65 (chromosome 11 open reading frame 65; minus strand). Cytogenetic location: 11q22.3.
Variant type: Deletion.
Coding change: c.8269-13del on transcript NM_000051.4 (MANE Select); 13 bases into the intron before coding-DNA position 8269, one base deleted (T; older notation c.8269-13delT).
Molecular consequence: intron variant.
Genome position (GRCh38, 1-based): chr11:108,343,209, T deleted. VCF-style (leftmost placement, unchanged base first): chr11-108343208-AT-A. GRCh37 (hg19) VCF-style: chr11-108213935-AT-A.
Other names: c.8269-13del (NM_001351834.2); c.641-34138del (NM_001330368.2); c.695-7917del (NM_001351110.2).
Identifiers: ClinVar variation 1613711 (VCV001613711.10), dbSNP rs2136938446, ClinGen allele CA2573146706.